The following is an entry in ClinVar:

NM_022124.6(CDH23):c.9047G>A (p.Arg3016His)

Gene: CDH23 (cadherin related 23; plus strand). Cytogenetic location: 10q22.1.
Variant type: single nucleotide variant.
Coding change: c.9047G>A on transcript NM_022124.6 (MANE Select); coding-DNA position 9047, G replaced by A.
Protein change: p.Arg3016His; replaces arginine 3016 with histidine.
Molecular consequence: missense variant.
Genome position (GRCh38, 1-based): chr10:71,810,539, G>A. VCF-style: chr10-71810539-G-A. GRCh37 (hg19) VCF-style: chr10-73570296-G-A.
Other names: c.2327G>A, p.Arg776His (NM_001171933.1, NM_001171934.1); short protein forms R3016H, R776H.
Identifiers: ClinVar variation 3898881 (VCV003898881.2).
Genomic context (GRCh38, chr10:71,810,539, plus strand): 5'-TGGACAAGAAGGGCCGGGTGAACTTTGCGCAGACAGAACTGCTTATCCACGTGGTGAACC[G>A]CGATACCAACCGCATCCTGGACGTGGACCGGTGAGTCGGGGCCTGTGTTTGGACTGTCAG-3'
Protein context (NP_071407.4, residues 3006-3026): QTELLIHVVN[Arg3016His]DTNRILDVDR

ClinVar aggregate classification (germline): Uncertain significance (1 of 4 stars; one submission).

gnomAD v4.1: 10 of 1,613,826 alleles (0.00062%); highest among the groups gnomAD compares: Admixed American, 0.0033%; no homozygotes.

Submission:

GeneDx
Classification: Uncertain significance. Last evaluated: 2026-05-07. Review status: criteria provided, single submitter. Criteria: GeneDx Variant Classification Process June 2021. Collection method: clinical testing. Allele origin: germline.
Comment: Not observed at significant frequency in large population cohorts (gnomAD); In silico analysis suggests that this missense variant does not alter protein structure/function; Has not been previously published as pathogenic or benign to our knowledge; This variant is associated with the following publications: (PMID: 15537665)